The following is an entry in ClinVar:

NM_133433.4(NIPBL):c.5741G>C (p.Trp1914Ser)

Gene: NIPBL (NIPBL cohesin loading factor; plus strand). Cytogenetic location: 5p13.2.
Variant type: single nucleotide variant.
Coding change: c.5741G>C on transcript NM_133433.4 (MANE Select); coding-DNA position 5741, G replaced by C.
Protein change: p.Trp1914Ser; replaces tryptophan 1914 with serine.
Molecular consequence: missense variant.
Genome position (GRCh38, 1-based): chr5:37,026,260, G>C. VCF-style: chr5-37026260-G-C. GRCh37 (hg19) VCF-style: chr5-37026362-G-C.
Other names: c.5741G>C, p.Trp1914Ser (NM_015384.5); short protein forms W1914S.
Identifiers: ClinVar variation 1471941 (VCV001471941.6), dbSNP rs2149704501, ClinGen allele CA359492164.

ClinVar aggregate classification (germline): Pathogenic (1 of 4 stars; one submission).

Conditions:
Cornelia de Lange syndrome 1 (CDLS1). Also called: TYPUS DEGENERATIVUS AMSTELODAMENSIS; NIPBL-Related Cornelia de Lange Syndrome; Brachmann de Lange syndrome. Identifiers: Orphanet 199, MedGen C4551851, MONDO:0007387, OMIM 122470.

Submission:

Labcorp Genetics (formerly Invitae), Labcorp
Classification: Pathogenic for Cornelia de Lange syndrome 1. Last evaluated: 2022-02-09. Review status: criteria provided, single submitter. Criteria: Invitae Variant Classification Sherloc (09022015). Collection method: clinical testing. Allele origin: germline.
Comment: For these reasons, this variant has been classified as Pathogenic. Advanced modeling of protein sequence and biophysical properties (such as structural, functional, and spatial information, amino acid conservation, physicochemical variation, residue mobility, and thermodynamic stability) performed at Invitae indicates that this missense variant is expected to disrupt NIPBL protein function. This missense change has been observed in individual(s) with clinical features of Cornelia de Lange syndrome (Invitae). In at least one individual the variant was observed to be de novo. This variant is not present in population databases (gnomAD no frequency). This sequence change replaces tryptophan, which is neutral and slightly polar, with serine, which is neutral and polar, at codon 1914 of the NIPBL protein (p.Trp1914Ser).